The following is an entry in ClinVar:

NM_002497.4(NEK2):c.817G>A (p.Asp273Asn)

Gene: NEK2 (NIMA related kinase 2; minus strand). Cytogenetic location: 1q32.3.
Variant type: single nucleotide variant.
Coding change: c.817G>A on transcript NM_002497.4 (MANE Select); coding-DNA position 817, G replaced by A.
Protein change: p.Asp273Asn; replaces aspartic acid 273 with asparagine.
Molecular consequence: missense variant.
Genome position (GRCh38, 1-based): chr1:211,669,281, C>T on the plus strand (G>A on the coding strand, the complement: NEK2 is on the minus strand). VCF-style: chr1-211669281-C-T. GRCh37 (hg19) VCF-style: chr1-211842623-C-T.
Other names: c.817G>A (NM_002497.3); c.817G>A, p.Asp273Asn (NM_001204182.2, NM_001204183.2); short protein forms D273N.
Identifiers: ClinVar variation 1436930 (VCV001436930.11), dbSNP rs766897728, ClinGen allele CA1381584.

ClinVar aggregate classification (germline): Uncertain significance. Review status: criteria provided, multiple submitters, no conflicts (2 of 4 stars). 3 submissions from 3 submitters: Uncertain significance (3). Last evaluated 2025-08-05.

Allele frequency attached by ClinVar (database versions not stated): ExAC 0.00002; gnomAD exomes 0.00002 and 0.00004; gnomAD 0.00003 and 0.00004; TOPMed 0.00003.

Submissions (3):

Ambry Genetics
Classification: Uncertain significance. Last evaluated: 2025-08-05. Review status: criteria provided, single submitter. Criteria: Ambry Variant Classification Scheme 2023. Collection method: clinical testing. Allele origin: germline.

Blueprint Genetics
Classification: Uncertain significance. Last evaluated: 2024-06-20. Review status: criteria provided, single submitter. Criteria: ACMG Guidelines, 2015. Collection method: clinical testing. Allele origin: germline.

Labcorp Genetics (formerly Invitae), Labcorp
Classification: Uncertain significance. Last evaluated: 2024-04-10. Review status: criteria provided, single submitter. Criteria: Invitae Variant Classification Sherloc (09022015). Collection method: clinical testing. Allele origin: germline.
Comment: This sequence change replaces aspartic acid, which is acidic and polar, with asparagine, which is neutral and polar, at codon 273 of the NEK2 protein (p.Asp273Asn). This variant is present in population databases (rs766897728, gnomAD 0.003%). This variant has not been reported in the literature in individuals affected with NEK2-related conditions. ClinVar contains an entry for this variant (Variation ID: 1436930). Algorithms developed to predict the effect of missense changes on protein structure and function output the following: SIFT: "Not Available"; PolyPhen-2: "Benign"; Align-GVGD: "Not Available". The asparagine amino acid residue is found in multiple mammalian species, which suggests that this missense change does not adversely affect protein function. In summary, the available evidence is currently insufficient to determine the role of this variant in disease. Therefore, it has been classified as a Variant of Uncertain Significance.